The following is an entry in ClinVar:

NM_016203.4(PRKAG2):c.1358T>C (p.Val453Ala)

Gene: PRKAG2 (protein kinase AMP-activated non-catalytic subunit gamma 2; minus strand). Cytogenetic location: 7q36.1.
Variant type: single nucleotide variant.
Coding change: c.1358T>C on transcript NM_016203.4 (MANE Select); coding-DNA position 1358, T replaced by C.
Protein change: p.Val453Ala; replaces valine 453 with alanine.
Molecular consequence: missense variant.
Genome position (GRCh38, 1-based): chr7:151,565,761, A>G on the plus strand (T>C on the coding strand, the complement: PRKAG2 is on the minus strand). VCF-style: chr7-151565761-A-G. GRCh37 (hg19) VCF-style: chr7-151262847-A-G.
Other names: c.1226T>C, p.Val409Ala (NM_001040633.2, NM_001407024.1); c.983T>C, p.Val328Ala (NM_001304527.2, NM_001407029.1); c.635T>C, p.Val212Ala (NM_001304531.2, NM_001407034.1, NM_001407035.1 and 1 more transcripts); c.986T>C, p.Val329Ala (NM_001363698.2, NM_001407028.1); c.1358T>C, p.Val453Ala (NM_001407021.1); c.1355T>C, p.Val452Ala (NM_001407022.1, NM_001407023.1); c.1223T>C, p.Val408Ala (NM_001407026.1, NM_001407027.1); c.1070T>C, p.Val357Ala (NM_001407030.1); and 6 more; short protein forms V211A, V328A, V356A, V408A, V232A, V345A, V452A, V212A.
Identifiers: ClinVar variation 1986914 (VCV001986914.4), dbSNP rs757930384, ClinGen allele CA054866.

ClinVar aggregate classification (germline): Uncertain significance (1 of 4 stars; one submission).

Conditions:
Lethal congenital glycogen storage disease of heart. Also called: PHOSPHORYLASE KINASE DEFICIENCY OF HEART; GLYCOGEN STORAGE DISEASE OF HEART. Identifiers: Orphanet 439854, MedGen C1849813, MONDO:0009867, OMIM 261740.

Allele frequency attached by ClinVar (database versions not stated): gnomAD exomes below 0.00001; ExAC 0.00001.
gnomAD v4.1: 1 of 1,613,954 alleles (0.000062%); highest among the groups gnomAD compares: Non-Finnish European, 0.000085%; no homozygotes.

Submission:

Labcorp Genetics (formerly Invitae), Labcorp
Classification: Uncertain significance for Lethal congenital glycogen storage disease of heart. Last evaluated: 2022-10-05. Review status: criteria provided, single submitter. Criteria: Invitae Variant Classification Sherloc (09022015). Collection method: clinical testing. Allele origin: germline.
Comment: This sequence change replaces valine, which is neutral and non-polar, with alanine, which is neutral and non-polar, at codon 453 of the PRKAG2 protein (p.Val453Ala). This variant is present in population databases (rs757930384, gnomAD 0.0009%). In summary, the available evidence is currently insufficient to determine the role of this variant in disease. Therefore, it has been classified as a Variant of Uncertain Significance. Algorithms developed to predict the effect of missense changes on protein structure and function (SIFT, PolyPhen-2, Align-GVGD) all suggest that this variant is likely to be tolerated. This variant has not been reported in the literature in individuals affected with PRKAG2-related conditions.